The following is an entry in ClinVar:

ClinVar aggregate classification (germline): Uncertain significance. Review status: criteria provided, multiple submitters, no conflicts (2 of 4 stars). 5 submissions from 5 submitters: Uncertain significance (5). Last evaluated 2026-03-08.

Conditions:
LOXHD1-related disorder. Also called: LOXHD1-related condition.
Inborn genetic diseases. Identifiers: MedGen C0950123, MeSH D030342.
Autosomal recessive nonsyndromic hearing loss 77. Identifiers: Orphanet 90636, MedGen C2746083, MONDO:0013119, OMIM 613079.

Allele frequency attached by ClinVar (database versions not stated): gnomAD exomes below 0.00001; TOPMed 0.00003; gnomAD 0.00004; 1000 Genomes Project 30x 0.00016.
gnomAD v4.1: 13 of 1,551,982 alleles (0.00084%); highest among the groups gnomAD compares: African/African-American, 0.0027%; no homozygotes.

Submissions (5):

PreventionGenetics, part of Exact Sciences
Classification: Uncertain significance for LOXHD1-related condition. Last evaluated: 2026-03-08. Review status: criteria provided, single submitter. Criteria: ACMG Guidelines, 2015. Collection method: clinical testing. Allele origin: germline.
Comment: The LOXHD1 c.3566C>T variant is predicted to result in the amino acid substitution p.Ala1189Val. To our knowledge, this variant has not been reported in the literature. This variant is reported in 0.013% of alleles in individuals of European (Non-Finnish) descent in gnomAD. At this time, the clinical significance of this variant is uncertain due to the absence of conclusive functional and genetic evidence.

Myriad Genetics, Inc.
Classification: Uncertain significance for Autosomal recessive nonsyndromic hearing loss 77. Last evaluated: 2026-01-06. Review status: criteria provided, single submitter. Criteria: Myriad Autosomal Dominant, Autosomal Recessive and X-Linked Classification Criteria (2023). Collection method: clinical testing. Allele origin: unknown.
Comment: NM_144612.6(LOXHD1):c.3566C>T(A1189V) is a missense variant classified as a variant of uncertain significance in the context of nonsyndromic hearing loss, LOXHD1-related. A1189V has been observed in a case with relevant disease (PMID: 34599366). Relevant functional assessments of this variant are not available in the literature. A1189V has been observed in referenced population frequency databases. In summary, there is insufficient evidence to classify NM_144612.6(LOXHD1):c.3566C>T(A1189V) as pathogenic or benign. Please note: this variant was assessed in the context of healthy population screening.

GeneDx
Classification: Uncertain significance. Last evaluated: 2025-07-24. Review status: criteria provided, single submitter. Criteria: GeneDx Variant Classification Process June 2021. Collection method: clinical testing. Allele origin: germline. Affected: yes.
Comment: In silico analysis supports that this missense variant has a deleterious effect on protein structure/function; Observed in a patient with early-onset hearing loss; detailed clinical information and the presence of a second variant in LOXHD1 was not reported (PMID: 34599366); This variant is associated with the following publications: (PMID: 34599366)

Ambry Genetics
Classification: Uncertain significance for Inborn genetic diseases. Last evaluated: 2025-03-22. Review status: criteria provided, single submitter. Criteria: Ambry Variant Classification Scheme 2023. Collection method: clinical testing. Allele origin: germline.

Labcorp Genetics (formerly Invitae), Labcorp
Classification: Uncertain significance. Last evaluated: 2024-02-24. Review status: criteria provided, single submitter. Criteria: Invitae Variant Classification Sherloc (09022015). Collection method: clinical testing. Allele origin: germline.
Comment: This sequence change replaces alanine, which is neutral and non-polar, with valine, which is neutral and non-polar, at codon 1189 of the LOXHD1 protein (p.Ala1189Val). This variant is present in population databases (rs192712470, gnomAD 0.01%). This variant has not been reported in the literature in individuals affected with LOXHD1-related conditions. ClinVar contains an entry for this variant (Variation ID: 1405175). An algorithm developed to predict the effect of missense changes on protein structure and function (PolyPhen-2) suggests that this variant is likely to be disruptive. In summary, the available evidence is currently insufficient to determine the role of this variant in disease. Therefore, it has been classified as a Variant of Uncertain Significance.

Literature cited by the submitters: PubMed 34599366 (cited by Myriad Genetics, Inc.).

NM_001384474.1(LOXHD1):c.3566C>T (p.Ala1189Val)

Gene: LOXHD1 (lipoxygenase homology PLAT domains 1; minus strand). Cytogenetic location: 18q21.1.
Variant type: single nucleotide variant.
Coding change: c.3566C>T on transcript NM_001384474.1 (MANE Select); coding-DNA position 3566, C replaced by T.
Protein change: p.Ala1189Val; replaces alanine 1189 with valine.
Molecular consequence: missense variant. On other transcripts: 5 prime UTR variant (1).
Genome position (GRCh38, 1-based): chr18:46,545,370, G>A on the plus strand (C>T on the coding strand, the complement: LOXHD1 is on the minus strand). VCF-style: chr18-46545370-G-A. GRCh37 (hg19) VCF-style: chr18-44125333-G-A.
Other names: c.3566C>T (NM_144612.6); c.233C>T, p.Ala78Val (NM_001145472.3); c.-56C>T (NM_001308013.2); c.3566C>T, p.Ala1189Val (NM_144612.7); short protein forms A1189V, A78V.
Identifiers: ClinVar variation 1405175 (VCV001405175.9), dbSNP rs192712470, ClinGen allele CA299806530.